The following is an entry in ClinVar:

NM_152383.5(DIS3L2):c.1638C>T (p.Asp546=)

Gene: DIS3L2 (DIS3 like 3'-5' exoribonuclease 2; plus strand). Cytogenetic location: 2q37.1.
Variant type: single nucleotide variant.
Coding change: c.1638C>T on transcript NM_152383.5 (MANE Select); coding-DNA position 1638, C replaced by T.
Protein change: p.Asp546=; no amino-acid change (aspartic acid 546 retained).
Molecular consequence: synonymous variant. On other transcripts: non-coding transcript variant (2), intron variant (1).
Genome position (GRCh38, 1-based): chr2:232,263,419, C>T. VCF-style: chr2-232263419-C-T. GRCh37 (hg19) VCF-style: chr2-233128129-C-T.
Other names: c.1581+57C>T (NM_001257281.2).
Identifiers: ClinVar variation 241963 (VCV000241963.13), dbSNP rs775532734, ClinGen allele CA2164209.

ClinVar aggregate classification (germline): Likely benign. Review status: criteria provided, multiple submitters, no conflicts (2 of 4 stars). 3 submissions from 3 submitters: Likely benign (2). 1 of the submissions does not count toward it. Last evaluated 2025-12-24.

Conditions:
DIS3L2-related disorder. Also called: DIS3L2-related condition.
Perlman syndrome (PRLMNS). Identifiers: Orphanet 2849, MedGen C0796113, MONDO:0009965, OMIM 267000.

Allele frequency attached by ClinVar (database versions not stated): ExAC 0.00002; gnomAD exomes 0.00002 and 0.00003; gnomAD 0.00006; TOPMed 0.00006.
gnomAD v4.1: 51 of 1,614,028 alleles (0.0032%); highest among the groups gnomAD compares: African/African-American, 0.013%; no homozygotes.

Submissions (3):

Labcorp Genetics (formerly Invitae), Labcorp
Classification: Likely benign for Perlman syndrome. Last evaluated: 2025-12-24. Review status: criteria provided, single submitter. Criteria: Invitae Variant Classification Sherloc (09022015). Collection method: clinical testing. Allele origin: germline.

Laboratory of Genetics, Children's Clinical University Hospital Latvia
Classification: Likely benign. Last evaluated: 2025-02-16. Review status: criteria provided, single submitter. Criteria: ACMG Guidelines, 2015. Collection method: clinical testing. Allele origin: germline. Affected: yes.

PreventionGenetics, part of Exact Sciences
Classification: Likely benign for DIS3L2-related condition. Last evaluated: 2020-05-01. Review status: no assertion criteria provided. Collection method: clinical testing. Allele origin: germline. Not counted in ClinVar's aggregate classification.
Comment: This variant is classified as likely benign based on ACMG/AMP sequence variant interpretation guidelines (Richards et al. 2015 PMID: 25741868, with internal and published modifications).